The following is an entry in ClinVar:

NM_173076.3(ABCA12):c.2014dup (p.Arg672fs)

Gene: ABCA12 (ATP binding cassette subfamily A member 12; minus strand). Cytogenetic location: 2q35.
Variant type: Duplication.
Coding change: c.2014dup on transcript NM_173076.3 (MANE Select); coding-DNA position 2014, one base duplicated (A; older notation c.2014dupA).
Protein change: p.Arg672fs; shifts the reading frame from arginine 672.
Molecular consequence: frameshift variant. On other transcripts: non-coding transcript variant (1).
Genome position (GRCh38, 1-based): chr2:215,012,078, T duplicated on the plus strand (A on the coding strand, the reverse complement: ABCA12 is on the minus strand); the first of 2 consecutive T bases (chr2:215,012,078-215,012,079); duplicating either gives the same sequence. VCF-style (leftmost placement, unchanged base first): chr2-215012077-C-CT. GRCh37 (hg19) VCF-style: chr2-215876801-C-CT.
Other names: c.1060dup, p.Arg354fs (NM_015657.4); short protein forms R354fs, R672fs.
Identifiers: ClinVar variation 2760614 (VCV002760614.3), dbSNP rs2469318367, ClinGen allele CA2697550432.

ClinVar aggregate classification (germline): Pathogenic (1 of 4 stars; one submission).

Submission:

Labcorp Genetics (formerly Invitae), Labcorp
Classification: Pathogenic. Last evaluated: 2023-09-14. Review status: criteria provided, single submitter. Criteria: Invitae Variant Classification Sherloc (09022015). Collection method: clinical testing. Allele origin: germline.
Comment: For these reasons, this variant has been classified as Pathogenic. This variant has not been reported in the literature in individuals affected with ABCA12-related conditions. This variant is not present in population databases (gnomAD no frequency). This sequence change creates a premature translational stop signal (p.Arg672Lysfs*52) in the ABCA12 gene. It is expected to result in an absent or disrupted protein product. Loss-of-function variants in ABCA12 are known to be pathogenic (PMID: 20672373).

Literature cited by the submitters: PubMed 20672373.